The following is an entry in ClinVar:

ClinVar aggregate classification (germline): Uncertain significance (1 of 4 stars; one submission).

Submission:

CeGaT Center for Human Genetics Tuebingen
Classification: Uncertain significance. Last evaluated: 2025-10-01. Review status: criteria provided, single submitter. Criteria: CeGaT Center For Human Genetics Tuebingen Variant Classification Criteria Version 2. Collection method: clinical testing. Allele origin: germline. Affected: yes. Observed: 1 variant allele.
Comment: KCNC2: PM2

NM_139137.4(KCNC2):c.1771A>G (p.Ile591Val)

Gene: KCNC2 (potassium voltage-gated channel subfamily C member 2; minus strand). Cytogenetic location: 12q21.1.
Variant type: single nucleotide variant.
Coding change: c.1771A>G on transcript NM_139137.4 (MANE Select); coding-DNA position 1771, A replaced by G.
Protein change: p.Ile591Val; replaces isoleucine 591 with valine.
Molecular consequence: missense variant. On other transcripts: 3 prime UTR variant (3), non-coding transcript variant (2), intron variant (5).
Genome position (GRCh38, 1-based): chr12:75,048,162, T>C on the plus strand (A>G on the coding strand, the complement: KCNC2 is on the minus strand). VCF-style: chr12-75048162-T-C. GRCh37 (hg19) VCF-style: chr12-75441942-T-C.
Other names: c.1771A>G, p.Ile591Val (NM_001260497.2, NM_001260498.2, NM_001414192.1 and 3 more transcripts); c.1720A>G, p.Ile574Val (NM_001414194.1, NM_001414198.1); c.*36A>G (NM_001414202.1, NM_001414206.1, NM_001414213.1); c.1615+2228A>G (NM_001414199.1, NM_153748.3, NM_001260499.2); c.1741+30A>G (NM_001414193.1); c.1762+1680A>G (NM_001414197.1); short protein forms I574V, I591V.
Identifiers: ClinVar variation 4534674 (VCV004534674.6).